The following is an entry in ClinVar:

NM_000052.7(ATP7A):c.4267C>A (p.Arg1423=)

Gene: ATP7A (ATPase copper transporting alpha; plus strand). Cytogenetic location: Xq21.1.
Variant type: single nucleotide variant.
Coding change: c.4267C>A on transcript NM_000052.7 (MANE Select); coding-DNA position 4267, C replaced by A.
Protein change: p.Arg1423=; no amino-acid change (arginine 1423 retained).
Molecular consequence: synonymous variant. On other transcripts: non-coding transcript variant (1).
Genome position (GRCh38, 1-based): chrX:78,046,334, C>A. VCF-style: chrX-78046334-C-A. GRCh37 (hg19) VCF-style: chrX-77301831-C-A.
Other names: c.4033C>A, p.Arg1345= (NM_001282224.2).
Identifiers: ClinVar variation 590214 (VCV000590214.16), dbSNP rs149079962, ClinGen allele CA10459535.
Genomic context (GRCh38, chrX:78,046,334, plus strand): 5'-ATACTTTTGCATATGTCCAGTTACAGGAAACCAACTTACGAGAGTTATGAACTGCCTGCC[C>A]GGAGCCAGATAGGACAGAAGAGTCCTTCAGAAATCAGCGTTCATGTTGGAATAGATGATA-3'
Protein context (NP_000043.4, residues 1413-1433): PTYESYELPA[Arg1423=]SQIGQKSPSE

ClinVar aggregate classification (germline): Benign/Likely benign. Review status: criteria provided, multiple submitters, no conflicts (2 of 4 stars). 4 submissions from 4 submitters: Benign (1); Likely benign (3). Last evaluated 2026-06-23.

Conditions:
History of neurodevelopmental disorder. Identifiers: MedGen C2711754.
X-linked distal spinal muscular atrophy type 3. Also called: NEURONOPATHY, DISTAL HEREDITARY MOTOR, X-LINKED; NEUROPATHY, DISTAL HEREDITARY MOTOR, X-LINKED; ATP7A-Related Distal Motor Neuropathy; SPINAL MUSCULAR ATROPHY, DISTAL, X-LINKED RECESSIVE. Identifiers: Orphanet 139557, MedGen C1845359, MONDO:0010338, OMIM 300489.
Cutis laxa, X-linked (OHS). Also called: Occipital horn syndrome; EDS IX. Identifiers: Orphanet 198, MedGen C0268353, MONDO:0010572, OMIM 304150.
Menkes kinky-hair syndrome (MNK). Also called: Classic Menkes Disease; Copper transport disease; Menkes Disease. Identifiers: Orphanet 565, MedGen C0022716, MONDO:0010651, OMIM 309400.
ATP7A-related disorder. Also called: ATP7A-related condition.

Allele frequency attached by ClinVar (database versions not stated): TOPMed 0.00014; 1000 Genomes Project 30x 0.00021; 1000 Genomes Project 0.00026; ESP Exome Variant Server 0.00028.
gnomAD v4.1: 35 of 1,209,899 alleles (0.0029%); highest among the groups gnomAD compares: African/African-American, 0.042%; no homozygotes.

Submissions (4):

PreventionGenetics, part of Exact Sciences
Classification: Likely benign for ATP7A-related condition. Last evaluated: 2026-06-23. Review status: criteria provided, single submitter. Criteria: ACMG Guidelines, 2015. Collection method: clinical testing. Allele origin: germline.
Comment: This variant is classified as likely benign based on ACMG/AMP sequence variant interpretation guidelines (Richards et al. 2015 PMID: 25741868, with internal and published modifications).

Labcorp Genetics (formerly Invitae), Labcorp
Classification: Benign for X-linked distal spinal muscular atrophy type 3; Cutis laxa, X-linked; Menkes kinky-hair syndrome. Last evaluated: 2025-10-01. Review status: criteria provided, single submitter. Criteria: Invitae Variant Classification Sherloc (09022015). Collection method: clinical testing. Allele origin: germline.

GeneDx
Classification: Likely benign. Last evaluated: 2020-09-09. Review status: criteria provided, single submitter. Criteria: GeneDx Variant Classification Process June 2021. Collection method: clinical testing. Allele origin: germline. Affected: yes.

Ambry Genetics
Classification: Likely benign for History of neurodevelopmental disorder. Last evaluated: 2013-09-16. Review status: criteria provided, single submitter. Criteria: Ambry Autosomal Dominant and X-Linked criteria (10/2015). Collection method: clinical testing. Allele origin: germline. Observed: 1 variant allele.